The following is an entry in ClinVar:

NM_018139.3(DNAAF2):c.1463G>A (p.Gly488Glu)

Gene: DNAAF2 (dynein axonemal assembly factor 2; minus strand). Cytogenetic location: 14q21.3.
Variant type: single nucleotide variant.
Coding change: c.1463G>A on transcript NM_018139.3 (MANE Select); coding-DNA position 1463, G replaced by A.
Protein change: p.Gly488Glu; replaces glycine 488 with glutamic acid.
Molecular consequence: missense variant. On other transcripts: 5 prime UTR variant (1).
Genome position (GRCh38, 1-based): chr14:49,633,687, C>T on the plus strand (G>A on the coding strand, the complement: DNAAF2 is on the minus strand). VCF-style: chr14-49633687-C-T. GRCh37 (hg19) VCF-style: chr14-50100405-C-T.
Other names: c.1463G>A, p.Gly488Glu (NM_001083908.2); c.-409G>A (NM_001378453.1); short protein forms G488E.
Identifiers: ClinVar variation 228602 (VCV000228602.22), dbSNP rs200121200, ClinGen allele CA7172911.

ClinVar aggregate classification (germline): Conflicting classifications of pathogenicity. Review status: criteria provided, conflicting classifications (1 of 4 stars). 5 submissions from 5 submitters: Uncertain significance (2); Benign (1); Likely benign (1). 1 of the submissions does not count toward it. Last evaluated 2026-01-25.

Conditions:
DNAAF2-related disorder. Also called: DNAAF2-related condition.
Primary ciliary dyskinesia. Also called: Ciliary dyskinesia. Identifiers: Orphanet 244, MedGen C0008780, MONDO:0016575, HP:0012265.
Primary ciliary dyskinesia 10. Also called: CILIARY DYSKINESIA, PRIMARY, 10, WITH OR WITHOUT SITUS INVERSUS. Identifiers: Orphanet 244, MedGen C2675867, MONDO:0012918, OMIM 612518.

Allele frequency attached by ClinVar (database versions not stated): TOPMed 0.00040; ESP Exome Variant Server 0.00046; gnomAD 0.00051 and 0.00052; gnomAD exomes 0.00067 and 0.00071; ExAC 0.00078; 1000 Genomes Project 30x 0.00016; 1000 Genomes Project 0.00020.
gnomAD v4.1: 1,065 of 1,606,692 alleles (0.066%); highest among the groups gnomAD compares: Non-Finnish European, 0.064%; no homozygotes.

Submissions (5):

Labcorp Genetics (formerly Invitae), Labcorp
Classification: Benign for Primary ciliary dyskinesia. Last evaluated: 2026-01-25. Review status: criteria provided, single submitter. Criteria: Invitae Variant Classification Sherloc (09022015). Collection method: clinical testing. Allele origin: germline.

Ambry Genetics
Classification: Likely benign for Primary ciliary dyskinesia. Last evaluated: 2021-06-24. Review status: criteria provided, single submitter. Criteria: Ambry Variant Classification Scheme 2023. Collection method: clinical testing. Allele origin: germline.

Illumina Laboratory Services, Illumina
Classification: Uncertain significance for Primary ciliary dyskinesia 10. Last evaluated: 2018-01-12. Review status: criteria provided, single submitter. Criteria: ICSL Variant Classification Criteria 13 December 2019. Collection method: clinical testing. Allele origin: germline.

Laboratory for Molecular Medicine, Mass General Brigham Personalized Medicine
Classification: Uncertain significance. Last evaluated: 2015-09-02. Review status: criteria provided, single submitter. Criteria: LMM Criteria. Collection method: clinical testing. Allele origin: germline. Observed: 2 variant alleles.
Comment: Variant classified as Uncertain Significance - Favor Benign. The p.Gly488Glu var iant in DNAAF2 has not been previously reported in individuals with pulmonary di sease, but has been identified in 0.13% (86/64746) of European chromosomes by th e Exome Aggregation Consortium (ExAC; dbSNP rs20 0121200). Glycine (Gly) at position 488 is not conserved evolution and 3 mammals (brush tailed rat, star nosed mole, opossum) carry a glutamic acid (Glu) at thi s position, supporting that this change may be tolerated. Additional computatio nal prediction tools suggest that the p.Gly488Glu variant may not impact the pro tein, though this information is not predictive enough to rule out pathogenicity . In summary, while the clinical significance of the p.Gly488Glu variant is unce rtain, its frequency suggests that it is more likely to be benign.

PreventionGenetics, part of Exact Sciences
Classification: Benign for DNAAF2-related condition. Last evaluated: 2019-08-07. Review status: no assertion criteria provided. Collection method: clinical testing. Allele origin: germline. Not counted in ClinVar's aggregate classification.
Comment: This variant is classified as benign based on ACMG/AMP sequence variant interpretation guidelines (Richards et al. 2015 PMID: 25741868, with internal and published modifications).